The following is an entry in ClinVar:

NM_000535.7(PMS2):c.1603T>C (p.Ser535Pro)

Gene: PMS2 (PMS1 homolog 2, mismatch repair system component; minus strand). Cytogenetic location: 7p22.1.
Variant type: single nucleotide variant.
Coding change: c.1603T>C on transcript NM_000535.7 (MANE Select); coding-DNA position 1603, T replaced by C.
Protein change: p.Ser535Pro; replaces serine 535 with proline.
Molecular consequence: missense variant. On other transcripts: non-coding transcript variant (1).
Genome position (GRCh38, 1-based): chr7:5,987,162, A>G on the plus strand (T>C on the coding strand, the complement: PMS2 is on the minus strand). VCF-style: chr7-5987162-A-G. GRCh37 (hg19) VCF-style: chr7-6026793-A-G.
Other names: c.1198T>C, p.Ser400Pro (NM_001018040.1, NM_001322003.2, NM_001322004.2 and 17 more transcripts); c.1447T>C, p.Ser483Pro (NM_001322006.2, NM_001406870.1); c.1285T>C, p.Ser429Pro (NM_001322007.2, NM_001322008.2, NM_001406876.1 and 2 more transcripts); c.1042T>C, p.Ser348Pro (NM_001322010.2, NM_001406906.1, NM_001406907.1); c.670T>C, p.Ser224Pro (NM_001322011.2, NM_001322012.2); c.1030T>C, p.Ser344Pro (NM_001322013.2, NM_001406909.1); c.1603T>C, p.Ser535Pro (NM_001322014.2, NM_001406871.1, NM_001406872.1); c.1294T>C, p.Ser432Pro (NM_001322015.2, NM_001406875.1, NM_001406877.1 and 5 more transcripts); and 12 more; short protein forms S427P, S479P, S483P, S499P, S224P, S278P, S348P, S380P.
Identifiers: ClinVar variation 1776232 (VCV001776232.2), dbSNP rs2128726986, ClinGen allele CA366741501.

ClinVar aggregate classification (germline): Uncertain significance (1 of 4 stars; one submission).

Conditions:
Hereditary cancer-predisposing syndrome. Also called: Neoplastic Syndromes, Hereditary; Tumor predisposition; Hereditary Cancer Syndrome; Hereditary neoplastic syndrome. Identifiers: Orphanet 140162, MedGen C0027672, MeSH D009386, MONDO:0015356.

Submission:

Ambry Genetics
Classification: Uncertain significance for Hereditary cancer-predisposing syndrome. Last evaluated: 2019-04-02. Review status: criteria provided, single submitter. Criteria: Ambry Variant Classification Scheme 2023. Collection method: clinical testing. Allele origin: germline.
Comment: The p.S535P variant (also known as c.1603T>C), located in coding exon 11 of the PMS2 gene, results from a T to C substitution at nucleotide position 1603. The serine at codon 535 is replaced by proline, an amino acid with similar properties. This amino acid position is poorly conserved in available vertebrate species. In addition, this alteration is predicted to be tolerated by in silico analysis. Since supporting evidence is limited at this time, the clinical significance of this alteration remains unclear.